The following is an entry in ClinVar:

ClinVar aggregate classification (germline): Benign/Likely benign. Review status: criteria provided, multiple submitters, no conflicts (2 of 4 stars). 6 submissions from 6 submitters: Benign (1); Likely benign (4). 1 of the submissions does not count toward it. Last evaluated 2026-01-28.

Conditions:
MC1R-related disorder. Also called: MC1R-related condition.
Melanoma, cutaneous malignant, susceptibility to, 5. Also called: Cutaneous malignant melanoma 5. Identifiers: Orphanet 618, MedGen C2751295, MONDO:0013133, OMIM 613099.
SKIN/HAIR/EYE PIGMENTATION, VARIATION IN, 2 (SHEP2). Also called: RED HAIR COLOR; HAIR COLOR 2; BLOND HAIR/FAIR SKIN. Identifiers: MedGen C1849452, OMIM 266300.
Increased analgesia from kappa-opioid receptor agonist, female-specific. Identifiers: MedGen C2751296, OMIM 613098.
Tyrosinase-positive oculocutaneous albinism (OCA2). Also called: ALBINISM II; Albinism, oculocutaneous, type II; Oculocutaneous albinism type 2. Identifiers: Orphanet 79432, MedGen C0268495, MONDO:0008746, OMIM 203200.

Allele frequency attached by ClinVar (database versions not stated): ESP Exome Variant Server 0.00015; gnomAD 0.00024 and 0.00036; gnomAD exomes 0.00039 and 0.00096; TOPMed 0.00049; ExAC 0.00092; 1000 Genomes Project 30x 0.00125; 1000 Genomes Project 0.00140.

Submissions (6):

Labcorp Genetics (formerly Invitae), Labcorp
Classification: Benign for Melanoma, cutaneous malignant, susceptibility to, 5. Last evaluated: 2026-01-28. Review status: criteria provided, single submitter. Criteria: Invitae Variant Classification Sherloc (09022015). Collection method: clinical testing. Allele origin: germline.

Mayo Clinic Laboratories, Mayo Clinic
Classification: Likely benign. Last evaluated: 2025-01-26. Review status: criteria provided, single submitter. Criteria: ACMG Guidelines, 2015. Collection method: clinical testing. Allele origin: germline. Observed: 1 variant allele.
Comment: BP4_strong, BP6

Fulgent Genetics
Classification: Likely benign for Tyrosinase-positive oculocutaneous albinism; SKIN/HAIR/EYE PIGMENTATION, VARIATION IN, 2; Increased analgesia from kappa-opioid receptor agonist, female-specific; Melanoma, cutaneous malignant, susceptibility to, 5. Last evaluated: 2021-10-27. Review status: criteria provided, single submitter. Criteria: ACMG Guidelines, 2015. Collection method: clinical testing. Allele origin: unknown.

CeGaT Center for Human Genetics Tuebingen
Classification: Likely benign. Last evaluated: 2018-04-01. Review status: criteria provided, single submitter. Criteria: CeGaT Center For Human Genetics Tuebingen Variant Classification Criteria Version 2. Collection method: clinical testing. Allele origin: germline. Affected: yes. Observed: 1 variant allele.

Illumina Laboratory Services, Illumina
Classification: Likely benign for Melanoma, cutaneous malignant, susceptibility to, 5. Last evaluated: 2017-04-27. Review status: criteria provided, single submitter. Criteria: ICSL Variant Classification Criteria 13 December 2019. Collection method: clinical testing. Allele origin: germline.
Comment: This variant was observed as part of a predisposition screen in an ostensibly healthy population. A literature search was performed for the gene, cDNA change, and amino acid change (where applicable). Publications were found based on this search. The evidence from the literature, in combination with allele frequency data from public databases where available, was sufficient to determine this variant is unlikely to cause disease. Therefore, this variant is classified as likely benign.

PreventionGenetics, part of Exact Sciences
Classification: Benign for MC1R-related condition. Last evaluated: 2019-06-17. Review status: no assertion criteria provided. Collection method: clinical testing. Allele origin: germline. Not counted in ClinVar's aggregate classification.
Comment: This variant is classified as benign based on ACMG/AMP sequence variant interpretation guidelines (Richards et al. 2015 PMID: 25741868, with internal and published modifications).

Literature cited by the submitters: PubMed 24617981 (cited by Mayo Clinic Laboratories, Mayo Clinic and Illumina Laboratory Services, Illumina); PubMed 16809487 (cited by Illumina Laboratory Services, Illumina); PubMed 24982914 (cited by Illumina Laboratory Services, Illumina); PubMed 19493000 (cited by Illumina Laboratory Services, Illumina); PubMed 14961558 (cited by Illumina Laboratory Services, Illumina).

NM_002386.4(MC1R):c.200G>A (p.Arg67Gln)

Gene: MC1R (melanocortin 1 receptor; plus strand). Cytogenetic location: 16q24.3.
Variant type: single nucleotide variant.
Coding change: c.200G>A on transcript NM_002386.4 (MANE Select); coding-DNA position 200, G replaced by A.
Protein change: p.Arg67Gln; replaces arginine 67 with glutamine.
Molecular consequence: missense variant.
Genome position (GRCh38, 1-based): chr16:89,919,458, G>A. VCF-style: chr16-89919458-G-A. GRCh37 (hg19) VCF-style: chr16-89985866-G-A.
Other names: short protein forms R67Q.
Identifiers: ClinVar variation 321421 (VCV000321421.59), dbSNP rs34090186, ClinGen allele CA8255520.